The following is an entry in ClinVar:

ClinVar aggregate classification (germline): Uncertain significance. Review status: criteria provided, multiple submitters, no conflicts (2 of 4 stars). 3 submissions from 3 submitters: Uncertain significance (3). Last evaluated 2025-12-08.

Conditions:
Inborn genetic diseases. Identifiers: MedGen C0950123, MeSH D030342.
Intellectual developmental disorder, X-linked, syndromic, Turner type. Also called: X-linked intellectual disability, Turner type; Intellectual disability, X-linked syndromic, Turner type. Identifiers: Orphanet 3056, Orphanet 85328, MedGen C2678046, MONDO:0010407, OMIM 309590.

Allele frequency attached by ClinVar (database versions not stated): gnomAD exomes 0.00001; gnomAD 0.00003.
gnomAD v4.1: 9 of 1,201,756 alleles (0.00075%); highest among the groups gnomAD compares: Admixed American, 0.0045%; no homozygotes.

Submissions (3):

Ambry Genetics
Classification: Uncertain significance for Inborn genetic diseases. Last evaluated: 2025-12-08. Review status: criteria provided, single submitter. Criteria: Ambry Variant Classification Scheme 2023. Collection method: clinical testing. Allele origin: germline.

Labcorp Genetics (formerly Invitae), Labcorp
Classification: Uncertain significance. Last evaluated: 2022-08-31. Review status: criteria provided, single submitter. Criteria: Invitae Variant Classification Sherloc (09022015). Collection method: clinical testing. Allele origin: germline.
Comment: In summary, the available evidence is currently insufficient to determine the role of this variant in disease. Therefore, it has been classified as a Variant of Uncertain Significance. Advanced modeling of protein sequence and biophysical properties (such as structural, functional, and spatial information, amino acid conservation, physicochemical variation, residue mobility, and thermodynamic stability) performed at Invitae indicates that this missense variant is expected to disrupt HUWE1 protein function. ClinVar contains an entry for this variant (Variation ID: 982971). This variant has not been reported in the literature in individuals affected with HUWE1-related conditions. The frequency data for this variant in the population databases is considered unreliable, as metrics indicate poor data quality at this position in the gnomAD database. This sequence change replaces arginine, which is basic and polar, with histidine, which is basic and polar, at codon 3957 of the HUWE1 protein (p.Arg3957His).

Institute of Human Genetics, University of Leipzig Medical Center
Classification: Uncertain significance for Intellectual developmental disorder, X-linked, syndromic, Turner type. Last evaluated: 2019-01-01. Review status: criteria provided, single submitter. Criteria: ACMG Guidelines, 2015. Collection method: clinical testing. Allele origin: unknown. Affected: yes.

NM_031407.7(HUWE1):c.11870G>A (p.Arg3957His)

Gene: HUWE1 (HECT, UBA and WWE domain containing E3 ubiquitin protein ligase 1; minus strand). Cytogenetic location: Xp11.22.
Variant type: single nucleotide variant.
Coding change: c.11870G>A on transcript NM_031407.7 (MANE Select); coding-DNA position 11870, G replaced by A.
Protein change: p.Arg3957His; replaces arginine 3957 with histidine.
Molecular consequence: missense variant.
Genome position (GRCh38, 1-based): chrX:53,538,843, C>T on the plus strand (G>A on the coding strand, the complement: HUWE1 is on the minus strand). VCF-style: chrX-53538843-C-T. GRCh37 (hg19) VCF-style: chrX-53565804-C-T.
Other names: c.11870G>A (NM_031407.4); short protein forms R3957H.
Identifiers: ClinVar variation 982971 (VCV000982971.8), dbSNP rs1556915795, ClinGen allele CA413157605.